The following is an entry in ClinVar:

NM_005918.4(MDH2):c.415G>A (p.Val139Ile)

Gene: MDH2 (malate dehydrogenase 2; plus strand). Cytogenetic location: 7q11.23.
Variant type: single nucleotide variant.
Coding change: c.415G>A on transcript NM_005918.4 (MANE Select); coding-DNA position 415, G replaced by A.
Protein change: p.Val139Ile; replaces valine 139 with isoleucine.
Molecular consequence: missense variant.
Genome position (GRCh38, 1-based): chr7:76,058,064, G>A. VCF-style: chr7-76058064-G-A. GRCh37 (hg19) VCF-style: chr7-75687382-G-A.
Other names: c.415G>A, p.Val139Ile (NM_001282403.2); c.94G>A, p.Val32Ile (NM_001282404.2); short protein forms V139I, V32I.
Identifiers: ClinVar variation 713898 (VCV000713898.41), dbSNP rs111879470, ClinGen allele CA4305523.

ClinVar aggregate classification (germline): Conflicting classifications of pathogenicity. Review status: criteria provided, conflicting classifications (1 of 4 stars). 6 submissions from 6 submitters: Uncertain significance (2); Benign (1); Likely benign (2). 1 of the submissions does not count toward it. Last evaluated 2026-09-01.

Conditions:
MDH2-related disorder. Also called: MDH2-related condition.
Inborn genetic diseases. Identifiers: MedGen C0950123, MeSH D030342.
Developmental and epileptic encephalopathy, 51 (DEE51). Also called: Epileptic encephalopathy, early infantile, 51. Identifiers: MedGen C4479208, MONDO:0015025, OMIM 617339.

Allele frequency attached by ClinVar (database versions not stated): 1000 Genomes Project 30x 0.00078; 1000 Genomes Project 0.00080; TOPMed 0.00170; ESP Exome Variant Server 0.00261; gnomAD 0.00278 and 0.00300; gnomAD exomes 0.00303 and 0.00358; ExAC 0.00376.
gnomAD v4.1: 4,791 of 1,613,088 alleles (0.3%); highest among the groups gnomAD compares: Non-Finnish European, 0.31%; 14 homozygotes.

Submissions (6):

CeGaT Center for Human Genetics Tuebingen
Classification: Likely benign. Last evaluated: 2026-09-01. Review status: criteria provided, single submitter. Criteria: CeGaT Center For Human Genetics Tuebingen Variant Classification Criteria Version 2. Collection method: clinical testing. Allele origin: germline. Affected: yes. Observed: 15 variant alleles.
Comment: MDH2: BP4, BS2

Labcorp Genetics (formerly Invitae), Labcorp
Classification: Benign. Last evaluated: 2026-02-01. Review status: criteria provided, single submitter. Criteria: Invitae Variant Classification Sherloc (09022015). Collection method: clinical testing. Allele origin: germline.

Center for Genomic Medicine, Rigshospitalet, Copenhagen University Hospital
Classification: Uncertain significance. Last evaluated: 2025-12-29. Review status: criteria provided, single submitter. Criteria: ACMG Guidelines, 2015. Collection method: clinical testing. Allele origin: germline.

ARUP Laboratories, Molecular Genetics and Genomics, ARUP Laboratories
Classification: Uncertain significance for Developmental and epileptic encephalopathy, 51. Last evaluated: 2025-03-13. Review status: criteria provided, single submitter. Criteria: ARUP Molecular Germline Variant Investigation Process 2024. Collection method: clinical testing. Allele origin: germline.

Ambry Genetics
Classification: Likely benign for Inborn genetic diseases. Last evaluated: 2022-09-04. Review status: criteria provided, single submitter. Criteria: Ambry Variant Classification Scheme 2023. Collection method: clinical testing. Allele origin: germline.

PreventionGenetics, part of Exact Sciences
Classification: Likely benign for MDH2-related condition. Last evaluated: 2019-03-27. Review status: no assertion criteria provided. Collection method: clinical testing. Allele origin: germline. Not counted in ClinVar's aggregate classification.
Comment: This variant is classified as likely benign based on ACMG/AMP sequence variant interpretation guidelines (Richards et al. 2015 PMID: 25741868, with internal and published modifications).